The following is an entry in ClinVar:

ClinVar aggregate classification (germline): Uncertain significance (1 of 4 stars; one submission).

Conditions:
Kabuki syndrome. Also called: Kabuki make-up syndrome; NIIKAWA-KUROKI SYNDROME. Identifiers: Orphanet 2322, MedGen C0796004, MONDO:0016512.

Submission:

Labcorp Genetics (formerly Invitae), Labcorp
Classification: Uncertain significance for Kabuki syndrome. Last evaluated: 2023-01-20. Review status: criteria provided, single submitter. Criteria: Invitae Variant Classification Sherloc (09022015). Collection method: clinical testing. Allele origin: germline.
Comment: In summary, the available evidence is currently insufficient to determine the role of this variant in disease. Therefore, it has been classified as a Variant of Uncertain Significance. Advanced modeling of protein sequence and biophysical properties (such as structural, functional, and spatial information, amino acid conservation, physicochemical variation, residue mobility, and thermodynamic stability) performed at Invitae indicates that this missense variant is not expected to disrupt KMT2D protein function. This variant has not been reported in the literature in individuals affected with KMT2D-related conditions. This variant is not present in population databases (gnomAD no frequency). This sequence change replaces glutamic acid, which is acidic and polar, with lysine, which is basic and polar, at codon 2505 of the KMT2D protein (p.Glu2505Lys).

NM_003482.4(KMT2D):c.7513G>A (p.Glu2505Lys)

Gene: KMT2D (lysine methyltransferase 2D; minus strand). Cytogenetic location: 12q13.12.
Variant type: single nucleotide variant.
Coding change: c.7513G>A on transcript NM_003482.4 (MANE Select); coding-DNA position 7513, G replaced by A.
Protein change: p.Glu2505Lys; replaces glutamic acid 2505 with lysine.
Molecular consequence: missense variant.
Genome position (GRCh38, 1-based): chr12:49,040,257, C>T on the plus strand (G>A on the coding strand, the complement: KMT2D is on the minus strand). VCF-style: chr12-49040257-C-T. GRCh37 (hg19) VCF-style: chr12-49434040-C-T.
Other names: short protein forms E2505K.
Identifiers: ClinVar variation 2830616 (VCV002830616.3), dbSNP rs1943443907, ClinGen allele CA384747561.